The following is an entry in ClinVar:

ClinVar aggregate classification (germline): Uncertain significance. Review status: criteria provided, multiple submitters, no conflicts (2 of 4 stars). 4 submissions from 4 submitters: Uncertain significance (3). 1 of the submissions does not count toward it. Last evaluated 2025-05-24.

Conditions:
Inborn genetic diseases. Identifiers: MedGen C0950123, MeSH D030342.
Pulmonary fibrosis and/or bone marrow failure, Telomere-related, 3. Also called: PULMONARY FIBROSIS AND/OR BONE MARROW FAILURE SYNDROME, TELOMERE-RELATED, 3. Identifiers: Orphanet 2032, MedGen C4225346, MONDO:0014613, OMIM 616373.
Dyskeratosis congenita, autosomal recessive 5 (DKCB5). Identifiers: MedGen C3554656, MONDO:0014076, OMIM 615190.
Dyskeratosis congenita. Identifiers: Orphanet 1775, MedGen C0265965, MONDO:0015780.

Allele frequency attached by ClinVar (database versions not stated): gnomAD below 0.00001 and 0.00001; gnomAD exomes 0.00002 and 0.00004; ExAC 0.00004.
gnomAD v4.1: 30 of 1,609,810 alleles (0.0019%); highest among the groups gnomAD compares: South Asian, 0.027%; no homozygotes.

Submissions (4):

Ambry Genetics
Classification: Uncertain significance for Inborn genetic diseases. Last evaluated: 2025-05-24. Review status: criteria provided, single submitter. Criteria: Ambry Variant Classification Scheme 2023. Collection method: clinical testing. Allele origin: germline.
Comment: The p.Y347C variant (also known as c.1040A>G), located in coding exon 12 of the RTEL1 gene, results from an A to G substitution at nucleotide position 1040. The tyrosine at codon 347 is replaced by cysteine, an amino acid with highly dissimilar properties. This amino acid position is conserved. In addition, the in silico prediction for this alteration is inconclusive. Based on the available evidence, the clinical significance of this variant remains unclear.

Neuberg Centre For Genomic Medicine, NCGM
Classification: Uncertain significance for Pulmonary fibrosis and/or bone marrow failure, Telomere-related, 3. Last evaluated: 2023-06-22. Review status: criteria provided, single submitter. Criteria: ACMG Guidelines, 2015. Collection method: clinical testing. Allele origin: germline. Inheritance: Autosomal dominant inheritance. Affected: yes.
Comment: The missense variant c.1040A>G(p.Tyr347Cys) adjacent to splice region in the RTEL1 gene has not been reported previously as a pathogenic variant nor as a benign variant, to our knowledge. The p.Tyr347Cys variant is present with allele frequency of 0.004% in the gnomAD Exomes. This variant has been submitted to the ClinVar database as Uncertain Significance. Multiple lines of computational evidences (Polyphen - Possibly damaging, SIFT - Damaging and MutationTaster - polymorphism) predicts conflicting evidence on protein structure and function for this variant. The reference amino acid at this position on RTEL1 is predicted as conserved by GERP++ and PhyloP across 100 vertebrates. The amino acid Tyr at position 347 is changed to a Cys changing protein sequence and it might alter its composition and physico-chemical properties. For these reasons, this variant has been classified as Variant of Uncertain Significance (VUS).

Labcorp Genetics (formerly Invitae), Labcorp
Classification: Uncertain significance for Dyskeratosis congenita, autosomal recessive 5; Pulmonary fibrosis and/or bone marrow failure, Telomere-related, 3. Last evaluated: 2022-03-12. Review status: criteria provided, single submitter. Criteria: Invitae Variant Classification Sherloc (09022015). Collection method: clinical testing. Allele origin: germline.
Comment: This sequence change replaces tyrosine, which is neutral and polar, with cysteine, which is neutral and slightly polar, at codon 347 of the RTEL1 protein (p.Tyr347Cys). This variant is present in population databases (rs769658909, gnomAD 0.04%). This variant has not been reported in the literature in individuals affected with RTEL1-related conditions. ClinVar contains an entry for this variant (Variation ID: 953345). Algorithms developed to predict the effect of missense changes on protein structure and function are either unavailable or do not agree on the potential impact of this missense change (SIFT: "Tolerated"; PolyPhen-2: "Possibly Damaging"; Align-GVGD: "Class C0"). In summary, the available evidence is currently insufficient to determine the role of this variant in disease. Therefore, it has been classified as a Variant of Uncertain Significance.

Natera, Inc.
Classification: Uncertain significance for Dyskeratosis congenita. Last evaluated: 2020-12-31. Review status: no assertion criteria provided. Collection method: clinical testing. Allele origin: germline. Not counted in ClinVar's aggregate classification.

NM_001283009.2(RTEL1):c.1040A>G (p.Tyr347Cys)

Genes: RTEL1 (regulator of telomere elongation helicase 1; plus strand), RTEL1-TNFRSF6B (RTEL1-TNFRSF6B readthrough (NMD candidate); plus strand). Cytogenetic location: 20q13.33.
Variant type: single nucleotide variant.
Coding change: c.1040A>G on transcript NM_001283009.2 (MANE Select); coding-DNA position 1040, A replaced by G.
Protein change: p.Tyr347Cys; replaces tyrosine 347 with cysteine.
Molecular consequence: missense variant. On other transcripts: non-coding transcript variant (1).
Genome position (GRCh38, 1-based): chr20:63,679,851, A>G. VCF-style: chr20-63679851-A-G. GRCh37 (hg19) VCF-style: chr20-62311204-A-G.
Other names: c.371A>G, p.Tyr124Cys (NM_001283010.1); c.1040A>G, p.Tyr347Cys (NM_016434.4); c.1112A>G, p.Tyr371Cys (NM_032957.5); short protein forms Y124C, Y371C, Y347C.
Identifiers: ClinVar variation 953345 (VCV000953345.6), dbSNP rs769658909, ClinGen allele CA9964593.
Genomic context (GRCh38, chr20:63,679,851, plus strand): 5'-CCAAAGCTGCAGTCTGGTCCCCCCGCCAGGCTCGAGCCTGCCTTCTTCTCCTCGGCAGCT[A>G]CATCTTTGAGCTGTTTGCTGAAGCCCAGATCACGTTTCAGACCAAGGGCTGCATCCTGGA-3'
Protein context (NP_001269938.1, residues 337-357): DDSGVTKPGS[Tyr347Cys]IFELFAEAQI